The following is an entry in ClinVar:

ClinVar aggregate classification (germline): Uncertain significance (1 of 4 stars; one submission).

Submission:

Labcorp Genetics (formerly Invitae), Labcorp
Classification: Uncertain significance. Last evaluated: 2025-12-02. Review status: criteria provided, single submitter. Criteria: Invitae Variant Classification Sherloc (09022015). Collection method: clinical testing. Allele origin: germline.
Comment: This variant, c.4676_4678dup, results in the insertion of 1 amino acid(s) of the SPTBN2 protein (p.Ala1559dup), but otherwise preserves the integrity of the reading frame. This variant is not present in population databases (gnomAD no frequency). This variant has not been reported in the literature in individuals affected with SPTBN2-related conditions. In summary, the available evidence is currently insufficient to determine the role of this variant in disease. Therefore, it has been classified as a Variant of Uncertain Significance.

NM_006946.4(SPTBN2):c.4667CAG[5] (p.Ala1559_Gly1560insAla)

Gene: SPTBN2 (spectrin beta, non-erythrocytic 2; minus strand). Cytogenetic location: 11q13.2.
Variant type: Microsatellite.
Coding change: c.4667CAG[5] on transcript NM_006946.4 (MANE Select); five copies in a row of the 3-base unit CAG starting at c.4667; the reference has four copies in a row; one copy, 3 bases duplicated.
Protein change: p.Ala1559_Gly1560insAla.
Molecular consequence: inframe insertion.
Genome position (GRCh38, 1-based): chr11:66,693,362-66,693,364, CTG duplicated on the plus strand (CAG on the coding strand, the reverse complement: SPTBN2 is on the minus strand); duplicating any 3 consecutive bases within chr11:66,693,362-66,693,374 gives the same sequence; the position shown is the placement nearest the transcript's 3' end. VCF-style (leftmost placement, unchanged base first): chr11-66693361-C-CCTG. GRCh37 (hg19) VCF-style: chr11-66460832-C-CCTG.
Other names: c.4688CAG[5], p.Ala1566_Gly1567insAla (NM_001411025.1); c.4667CAG[5], p.Ala1559_Gly1560insAla (NM_001437541.1).
Identifiers: ClinVar variation 4809815 (VCV004809815.1).